The following is an entry in ClinVar:

NM_000548.5(TSC2):c.5069A>G (p.Asp1690Gly)

Gene: TSC2 (TSC complex subunit 2; plus strand). Cytogenetic location: 16p13.3.
Variant type: single nucleotide variant.
Coding change: c.5069A>G on transcript NM_000548.5 (MANE Select); coding-DNA position 5069, A replaced by G.
Protein change: p.Asp1690Gly; replaces aspartic acid 1690 with glycine.
Molecular consequence: missense variant. On other transcripts: non-coding transcript variant (5).
Genome position (GRCh38, 1-based): chr16:2,088,048, A>G. VCF-style: chr16-2088048-A-G. GRCh37 (hg19) VCF-style: chr16-2138049-A-G.
Other names: c.4868A>G, p.Asp1623Gly (NM_001077183.3); c.5000A>G, p.Asp1667Gly (NM_001114382.3); c.4760A>G, p.Asp1587Gly (NM_001318827.2); c.4724A>G, p.Asp1575Gly (NM_001318829.2); c.4337A>G, p.Asp1446Gly (NM_001318831.2); c.4901A>G, p.Asp1634Gly (NM_001318832.2); c.4871A>G, p.Asp1624Gly (NM_001363528.2); c.4937A>G, p.Asp1646Gly (NM_001370404.1); and 26 more; short protein forms D1089G, D1175G, D1176G, D1198G, D1199G, D1219G, D1423G, D1424G.
Identifiers: ClinVar variation 4866109 (VCV004866109.1).

ClinVar aggregate classification (germline): Uncertain significance (1 of 4 stars; one submission).

Conditions:
Hereditary cancer-predisposing syndrome. Also called: Neoplastic Syndromes, Hereditary; Tumor predisposition; Hereditary Cancer Syndrome; Hereditary neoplastic syndrome. Identifiers: Orphanet 140162, MedGen C0027672, MeSH D009386, MONDO:0015356.

Submission:

Ambry Genetics
Classification: Uncertain significance for Hereditary cancer-predisposing syndrome. Last evaluated: 2026-05-12. Review status: criteria provided, single submitter. Criteria: Ambry Variant Classification Scheme 2023. Collection method: clinical testing. Allele origin: germline.
Comment: The p.D1690G variant (also known as c.5069A>G) is located in coding exon 39 of the TSC2 gene. The aspartic acid at codon 1690 is replaced by glycine, an amino acid with similar properties. This change occurs in the first base pair of coding exon 39. This amino acid position is highly conserved in available vertebrate species. In addition, this alteration is predicted to be deleterious by in silico analysis. Based on the available evidence, the clinical significance of this variant remains unclear.